The following is an entry in ClinVar:

ClinVar aggregate classification (germline): Uncertain significance (1 of 4 stars; one submission).

Conditions:
MYH6-related disorder. Also called: MYH6-related condition; MYH6-Related Disorders.

Submission:

PreventionGenetics, part of Exact Sciences
Classification: Uncertain significance for MYH6-related condition. Last evaluated: 2026-04-19. Review status: criteria provided, single submitter. Criteria: ACMG Guidelines, 2015. Collection method: clinical testing. Allele origin: germline.
Comment: The MYH6 c.5477_5488del12 variant is predicted to result in an in-frame deletion (p.Gly1826_Glu1829del). To our knowledge, this variant has not been reported in the literature or in a large population database (gnomAD), indicating this variant is rare. At this time, the clinical significance of this variant is uncertain due to the absence of conclusive functional and genetic evidence.

NM_002471.4(MYH6):c.5477_5488del (p.Gly1826_Glu1829del)

Gene: MYH6 (myosin heavy chain 6; minus strand). Cytogenetic location: 14q11.2.
Variant type: Deletion.
Coding change: c.5477_5488del on transcript NM_002471.4 (MANE Select); coding-DNA positions 5477 to 5488, 12 bases deleted (GTGAGCTGGAGG).
Protein change: p.Gly1826_Glu1829del.
Molecular consequence: inframe deletion. On other transcripts: inframe indel (1).
Genome position (GRCh38, 1-based): chr14:23,384,519-23,384,530, CCTCCAGCTCAC deleted on the plus strand (GTGAGCTGGAGG on the coding strand, the reverse complement: MYH6 is on the minus strand); deleting any 12 consecutive bases within chr14:23,384,519-23,384,540 gives the same sequence; the c. name uses the placement nearest the transcript's 3' end. VCF-style (leftmost placement, unchanged base first): chr14-23384518-GCCTCCAGCTCAC-G. GRCh37 (hg19) VCF-style: chr14-23853727-GCCTCCAGCTCAC-G.
Other names: c.5477_5488del12 (NM_002471.3).
Identifiers: ClinVar variation 4994618 (VCV004994618.1).